The following is an entry in ClinVar:

NM_001303052.2(MYT1L):c.1-1G>T

Gene: MYT1L (myelin transcription factor 1 like; minus strand). Cytogenetic location: 2p25.3.
Variant type: single nucleotide variant.
Coding change: c.1-1G>T on transcript NM_001303052.2 (MANE Select); the canonical splice acceptor site of the intron before coding-DNA position 1, G replaced by T.
Molecular consequence: splice acceptor variant.
Genome position (GRCh38, 1-based): chr2:1,979,778, C>A on the plus strand (G>T on the coding strand, the complement: MYT1L is on the minus strand). VCF-style: chr2-1979778-C-A. GRCh37 (hg19) VCF-style: chr2-1983550-C-A.
Other names: c.1-1G>T (NM_001329844.2, NM_001329847.2, NM_001329848.1 and 6 more transcripts).
Identifiers: ClinVar variation 1179233 (VCV001179233.2), dbSNP rs2149492081, ClinGen allele CA2499215558.

ClinVar aggregate classification (germline): Pathogenic (1 of 4 stars; one submission).

Submission:

GeneDx
Classification: Pathogenic. Last evaluated: 2019-06-13. Review status: criteria provided, single submitter. Criteria: GeneDx Variant Classification Process June 2021. Collection method: clinical testing. Allele origin: germline. Affected: yes.
Comment: Canonical splice site variant in a gene for which loss-of-function is a known mechanism of disease; Not observed in large population cohorts (Lek et al., 2016); Has not been previously published as pathogenic or benign to our knowledge